The following is an entry in ClinVar:

ClinVar aggregate classification (germline): Likely benign (1 of 4 stars; one submission).

gnomAD v4.1: 33 of 1,614,086 alleles (0.002%); highest among the groups gnomAD compares: Non-Finnish European, 0.0025%; no homozygotes.

Submission:

CeGaT Center for Human Genetics Tuebingen
Classification: Likely benign. Last evaluated: 2025-07-01. Review status: criteria provided, single submitter. Criteria: CeGaT Center For Human Genetics Tuebingen Variant Classification Criteria Version 2. Collection method: clinical testing. Allele origin: germline. Affected: yes. Observed: 1 variant allele.
Comment: COG8: BP4, BP7

NM_032382.5(COG8):c.1209A>T (p.Pro403=)

Gene: COG8 (component of oligomeric golgi complex 8; minus strand). Cytogenetic location: 16q22.1.
Variant type: single nucleotide variant.
Coding change: c.1209A>T on transcript NM_032382.5 (MANE Select); coding-DNA position 1209, A replaced by T.
Protein change: p.Pro403=; no amino-acid change (proline 403 retained).
Molecular consequence: synonymous variant.
Genome position (GRCh38, 1-based): chr16:69,334,725, T>A on the plus strand (A>T on the coding strand, the complement: COG8 is on the minus strand). VCF-style: chr16-69334725-T-A. GRCh37 (hg19) VCF-style: chr16-69368628-T-A.
Other names: c.1209A>T, p.Pro403= (NM_001374871.1, NM_001379261.1, NM_001379262.1 and 4 more transcripts).
Identifiers: ClinVar variation 4084332 (VCV004084332.8).